The following is an entry in ClinVar:

NM_001009944.3(PKD1):c.11741dup (p.Ala3915fs)

Gene: PKD1 (polycystin 1, transient receptor potential channel interacting; minus strand). Cytogenetic location: 16p13.3.
Variant type: Duplication.
Coding change: c.11741dup on transcript NM_001009944.3 (MANE Select); coding-DNA position 11741, one base duplicated (T; older notation c.11741dupT).
Protein change: p.Ala3915fs; shifts the reading frame from alanine 3915.
Molecular consequence: frameshift variant.
Genome position (GRCh38, 1-based): chr16:2,091,146, A duplicated on the plus strand (T on the coding strand, the reverse complement: PKD1 is on the minus strand); the first of 2 consecutive A bases (chr16:2,091,146-2,091,147); duplicating either gives the same sequence. VCF-style (leftmost placement, unchanged base first): chr16-2091145-G-GA. GRCh37 (hg19) VCF-style: chr16-2141146-G-GA.
Other names: c.11738dup, p.Ala3914fs (NM_000296.4); short protein forms A3914fs, A3915fs.
Identifiers: ClinVar variation 2413162 (VCV002413162.6), dbSNP rs2544600517, ClinGen allele CA2580091184.

ClinVar aggregate classification (germline): Likely pathogenic (1 of 4 stars; one submission).

Conditions:
Polycystic kidney disease, adult type (PKD1). Also called: POLYCYSTIC KIDNEY DISEASE, ADULT, TYPE I; Polycystic Kidney, Autosomal Dominant; Polycystic Kidney Disease 1, Autosomal Dominant; Polycystic kidney disease 1; Polycystic kidney disease 1, severe; POLYCYSTIC KIDNEY DISEASE 1 WITH OR WITHOUT POLYCYSTIC LIVER DISEASE. Identifiers: MedGen C3149841, MONDO:0008263, OMIM 173900.

Submission:

Center for Human Genetics and Genomic Medicine, Uniklinik Rwth Aachen
Classification: Likely pathogenic for Polycystic kidney disease, adult type. Last evaluated: 2022-10-26. Review status: criteria provided, single submitter. Criteria: ACMG Guidelines, 2015. Collection method: clinical testing. Allele origin: unknown. Inheritance: Autosomal dominant inheritance. Affected: yes. Observed: 1 heterozygote.
Comment: The variant is not listed in control collectives (gnomAD). It has not yet been described in the literature, in the PKD1 locus-specific database (as of October 26, 2022) or in the ClinVar database. The change leads to a reading frameshift and therefore in all probability to a loss of function of the protein. The variant is currently to be regarded as a "likely pathogenic variant" (ACMG criteria).